The following is an entry in ClinVar:

ClinVar aggregate classification (germline): Uncertain significance (1 of 4 stars; one submission).

Conditions:
Nemaline myopathy 2 (NEM2). Also called: Nemaline myopathy 2, autosomal recessive. Identifiers: MedGen C1850569, MONDO:0009725, OMIM 256030.

Allele frequency attached by ClinVar (database versions not stated): gnomAD exomes below 0.00001 and 0.00001; gnomAD 0.00001; TOPMed 0.00001; ExAC 0.00002; ESP Exome Variant Server 0.00008.
gnomAD v4.1: 7 of 1,613,798 alleles (0.00043%); highest among the groups gnomAD compares: Non-Finnish European, 0.00059%; no homozygotes.

Submission:

Labcorp Genetics (formerly Invitae), Labcorp
Classification: Uncertain significance for Nemaline myopathy 2. Last evaluated: 2021-12-01. Review status: criteria provided, single submitter. Criteria: Invitae Variant Classification Sherloc (09022015). Collection method: clinical testing. Allele origin: germline.
Comment: This sequence change replaces lysine, which is basic and polar, with glutamic acid, which is acidic and polar, at codon 1459 of the NEB protein (p.Lys1459Glu). This variant is present in population databases (rs371542110, gnomAD 0.003%). This variant has not been reported in the literature in individuals affected with NEB-related conditions. Algorithms developed to predict the effect of missense changes on protein structure and function are either unavailable or do not agree on the potential impact of this missense change (SIFT: "Deleterious"; PolyPhen-2: "Not Available"; Align-GVGD: "Class C0"). In summary, the available evidence is currently insufficient to determine the role of this variant in disease. Therefore, it has been classified as a Variant of Uncertain Significance.

NM_001164508.2(NEB):c.4375A>G (p.Lys1459Glu)

Gene: NEB (nebulin; minus strand). Cytogenetic location: 2q23.3.
Variant type: single nucleotide variant.
Coding change: c.4375A>G on transcript NM_001164508.2 (MANE Select); coding-DNA position 4375, A replaced by G.
Protein change: p.Lys1459Glu; replaces lysine 1459 with glutamic acid.
Molecular consequence: missense variant.
Genome position (GRCh38, 1-based): chr2:151,671,154, T>C on the plus strand (A>G on the coding strand, the complement: NEB is on the minus strand). VCF-style: chr2-151671154-T-C. GRCh37 (hg19) VCF-style: chr2-152527668-T-C.
Other names: c.4375A>G, p.Lys1459Glu (NM_001164507.2, NM_001271208.2, NM_004543.5); short protein forms K1459E.
Identifiers: ClinVar variation 1381507 (VCV001381507.3), dbSNP rs371542110, ClinGen allele CA1910646.
Genomic context (GRCh38, chr2:151,671,154, plus strand): 5'-CGGTATCTGGGTGCTGTCGATACTTCCTCTCATTTAATGCATCGCCTGCTTTCTTGACCT[T>C]CTCCACCTCCAGGGAACCAATAGGGATCCATCCGATGCCCTTCAAGAAGCTGTTATACTC-3'
Protein context (NP_001157980.2, residues 1449-1469): WIPIGSLEVE[Lys1459Glu]VKKAGDALNE